The following is an entry in ClinVar:

ClinVar aggregate classification (germline): Uncertain significance (1 of 4 stars; one submission).

gnomAD v4.1: 40 of 1,614,026 alleles (0.0025%); highest among the groups gnomAD compares: Middle Eastern, 0.017%; no homozygotes.

Submission:

CeGaT Center for Human Genetics Tuebingen
Classification: Uncertain significance. Last evaluated: 2025-08-01. Review status: criteria provided, single submitter. Criteria: CeGaT Center For Human Genetics Tuebingen Variant Classification Criteria Version 2. Collection method: clinical testing. Allele origin: germline. Affected: yes. Observed: 1 variant allele.
Comment: DNAJC6: PM2

NM_001256864.2(DNAJC6):c.2048C>T (p.Thr683Met)

Gene: DNAJC6 (DnaJ heat shock protein family (Hsp40) member C6; plus strand). Cytogenetic location: 1p31.3.
Variant type: single nucleotide variant.
Coding change: c.2048C>T on transcript NM_001256864.2 (MANE Select); coding-DNA position 2048, C replaced by T.
Protein change: p.Thr683Met; replaces threonine 683 with methionine.
Molecular consequence: missense variant.
Genome position (GRCh38, 1-based): chr1:65,398,822, C>T. VCF-style: chr1-65398822-C-T. GRCh37 (hg19) VCF-style: chr1-65864505-C-T.
Other names: c.1877C>T, p.Thr626Met (NM_014787.4); c.1838C>T, p.Thr613Met (NM_001256865.2); short protein forms T613M, T626M, T683M.
Identifiers: ClinVar variation 4084013 (VCV004084013.8).